The following is an entry in ClinVar:

ClinVar aggregate classification (germline): Uncertain significance (1 of 4 stars; one submission).

gnomAD v4.1: 22 of 1,550,966 alleles (0.0014%); highest among the groups gnomAD compares: Non-Finnish European, 0.0019%; no homozygotes.

Submission:

Labcorp Genetics (formerly Invitae), Labcorp
Classification: Uncertain significance. Last evaluated: 2022-11-01. Review status: criteria provided, single submitter. Criteria: Invitae Variant Classification Sherloc (09022015). Collection method: clinical testing. Allele origin: germline.
Comment: In summary, the available evidence is currently insufficient to determine the role of this variant in disease. Therefore, it has been classified as a Variant of Uncertain Significance. Advanced modeling of protein sequence and biophysical properties (such as structural, functional, and spatial information, amino acid conservation, physicochemical variation, residue mobility, and thermodynamic stability) has been performed at Invitae for this missense variant, however the output from this modeling did not meet the statistical confidence thresholds required to predict the impact of this variant on CPLANE1 protein function. ClinVar contains an entry for this variant (Variation ID: 1428300). This variant has not been reported in the literature in individuals affected with CPLANE1-related conditions. This variant is not present in population databases (gnomAD no frequency). This sequence change replaces glycine, which is neutral and non-polar, with glutamic acid, which is acidic and polar, at codon 583 of the CPLANE1 protein (p.Gly583Glu).

NM_001384732.1(CPLANE1):c.1748G>A (p.Gly583Glu)

Gene: CPLANE1 (ciliogenesis and planar polarity effector complex subunit 1; minus strand). Cytogenetic location: 5p13.2.
Variant type: single nucleotide variant.
Coding change: c.1748G>A on transcript NM_001384732.1 (MANE Select); coding-DNA position 1748, G replaced by A.
Protein change: p.Gly583Glu; replaces glycine 583 with glutamic acid.
Molecular consequence: missense variant.
Genome position (GRCh38, 1-based): chr5:37,226,847, C>T on the plus strand (G>A on the coding strand, the complement: CPLANE1 is on the minus strand). VCF-style: chr5-37226847-C-T. GRCh37 (hg19) VCF-style: chr5-37226949-C-T.
Other names: c.1748G>A, p.Gly583Glu (NM_023073.4); short protein forms G583E.
Identifiers: ClinVar variation 1428300 (VCV001428300.6), dbSNP rs2150440117, ClinGen allele CA359500013.